The following is an entry in ClinVar:

ClinVar aggregate classification (germline): Uncertain significance. Review status: criteria provided, multiple submitters, no conflicts (2 of 4 stars). 4 submissions from 4 submitters: Uncertain significance (3). 1 of the submissions does not count toward it. Last evaluated 2025-09-06.

Conditions:
Ataxia-telangiectasia syndrome (AT). Also called: ATAXIA-TELANGIECTASIA, FRESNO VARIANT; Ataxia-telangiectasia, complementation group E; Ataxia telangiectasia (A-T); LOUIS-BAR SYNDROME; Ataxia-telangiectasia, complementation group D; AT, COMPLEMENTATION GROUP C. Identifiers: Orphanet 100, MedGen C0004135, MONDO:0008840, OMIM 208900.
Hereditary cancer-predisposing syndrome. Also called: Hereditary neoplastic syndrome; Hereditary Cancer Syndrome; Tumor predisposition; Neoplastic Syndromes, Hereditary. Identifiers: Orphanet 140162, MedGen C0027672, MeSH D009386, MONDO:0015356.
Familial cancer of breast. Also called: BREAST CANCER, FAMILIAL; Hereditary breast cancer; hereditary breast carcinoma. Identifiers: Orphanet 227535, MedGen C0346153, MONDO:0016419, OMIM 114480. Disease mechanism: loss of function.

Allele frequency attached by ClinVar (database versions not stated): gnomAD exomes below 0.00001; ExAC 0.00001.
gnomAD v4.1: 2 of 1,613,992 alleles (0.00012%); highest among the groups gnomAD compares: Admixed American, 0.0017%; no homozygotes.

Submissions (4):

Ambry Genetics
Classification: Uncertain significance for Hereditary cancer-predisposing syndrome. Last evaluated: 2025-09-06. Review status: criteria provided, single submitter. Criteria: Ambry Variant Classification Scheme 2023. Collection method: clinical testing. Allele origin: germline.
Comment: The p.N338D variant (also known as c.1012A>G), located in coding exon 7 of the ATM gene, results from an A to G substitution at nucleotide position 1012. The asparagine at codon 338 is replaced by aspartic acid, an amino acid with highly similar properties. This amino acid position is conserved. In addition, this alteration is predicted to be tolerated by in silico analysis. Since supporting evidence is limited at this time, the clinical significance of this alteration remains unclear.

Baylor Genetics
Classification: Uncertain significance for Familial cancer of breast. Last evaluated: 2024-02-27. Review status: criteria provided, single submitter. Criteria: ACMG Guidelines, 2015. Collection method: clinical testing. Allele origin: unknown.

Labcorp Genetics (formerly Invitae), Labcorp
Classification: Uncertain significance for Ataxia-telangiectasia syndrome. Last evaluated: 2022-08-16. Review status: criteria provided, single submitter. Criteria: Invitae Variant Classification Sherloc (09022015). Collection method: clinical testing. Allele origin: germline.
Comment: This sequence change replaces asparagine, which is neutral and polar, with aspartic acid, which is acidic and polar, at codon 338 of the ATM protein (p.Asn338Asp). In summary, the available evidence is currently insufficient to determine the role of this variant in disease. Therefore, it has been classified as a Variant of Uncertain Significance. Advanced modeling of protein sequence and biophysical properties (such as structural, functional, and spatial information, amino acid conservation, physicochemical variation, residue mobility, and thermodynamic stability) performed at Invitae indicates that this missense variant is not expected to disrupt ATM protein function. This variant is present in population databases (rs751800302, gnomAD 0.003%). This variant has not been reported in the literature in individuals affected with ATM-related conditions. ClinVar contains an entry for this variant (Variation ID: 971405).

Natera, Inc.
Classification: Uncertain significance for Ataxia-telangiectasia. Last evaluated: 2021-06-28. Review status: no assertion criteria provided. Collection method: clinical testing. Allele origin: germline. Not counted in ClinVar's aggregate classification.

NM_000051.4(ATM):c.1012A>G (p.Asn338Asp)

Gene: ATM (ATM serine/threonine kinase; plus strand). Cytogenetic location: 11q22.3.
Variant type: single nucleotide variant.
Coding change: c.1012A>G on transcript NM_000051.4 (MANE Select); coding-DNA position 1012, A replaced by G.
Protein change: p.Asn338Asp; replaces asparagine 338 with aspartic acid.
Molecular consequence: missense variant.
Genome position (GRCh38, 1-based): chr11:108,247,074, A>G. VCF-style: chr11-108247074-A-G. GRCh37 (hg19) VCF-style: chr11-108117801-A-G.
Other names: c.1012A>G, p.Asn338Asp (NM_001351834.2); short protein forms N338D.
Identifiers: ClinVar variation 971405 (VCV000971405.17), dbSNP rs751800302, ClinGen allele CA6264719.